The following is an entry in ClinVar:

NM_033118.4(MYLK2):c.1291C>T (p.Arg431Trp)

Gene: MYLK2 (myosin light chain kinase 2; plus strand). Cytogenetic location: 20q11.21.
Variant type: single nucleotide variant.
Coding change: c.1291C>T on transcript NM_033118.4 (MANE Select); coding-DNA position 1291, C replaced by T.
Protein change: p.Arg431Trp; replaces arginine 431 with tryptophan.
Molecular consequence: missense variant.
Genome position (GRCh38, 1-based): chr20:31,830,885, C>T. VCF-style: chr20-31830885-C-T. GRCh37 (hg19) VCF-style: chr20-30418688-C-T.
Other names: c.1291C>T (NM_033118.3); short protein forms R431W.
Identifiers: ClinVar variation 1438376 (VCV001438376.10), dbSNP rs1370884458, ClinGen allele CA408527544.

ClinVar aggregate classification (germline): Uncertain significance. Review status: criteria provided, multiple submitters, no conflicts (2 of 4 stars). 2 submissions from 2 submitters: Uncertain significance (2). Last evaluated 2025-08-07.

Conditions:
Hypertrophic cardiomyopathy 1 (CMH1). Also called: MYH7-Related Familial Hypertrophic Cardiomyopathy; Familial hypertrophic cardiomyopathy 1. Identifiers: MedGen C3495498, MONDO:0008647, OMIM 192600.

Allele frequency attached by ClinVar (database versions not stated): gnomAD exomes below 0.00001; gnomAD 0.00001.

Submissions (2):

Ambry Genetics
Classification: Uncertain significance. Last evaluated: 2025-08-07. Review status: criteria provided, single submitter. Criteria: Ambry Variant Classification Scheme 2023. Collection method: clinical testing. Allele origin: germline.

Labcorp Genetics (formerly Invitae), Labcorp
Classification: Uncertain significance for Hypertrophic cardiomyopathy 1. Last evaluated: 2021-05-13. Review status: criteria provided, single submitter. Criteria: Invitae Variant Classification Sherloc (09022015). Collection method: clinical testing. Allele origin: germline.
Comment: This sequence change replaces arginine with tryptophan at codon 431 of the MYLK2 protein (p.Arg431Trp). The arginine residue is highly conserved and there is a moderate physicochemical difference between arginine and tryptophan. This variant is not present in population databases (ExAC no frequency). This variant has not been reported in the literature in individuals with MYLK2-related conditions. Algorithms developed to predict the effect of missense changes on protein structure and function (SIFT, PolyPhen-2, Align-GVGD) all suggest that this variant is likely to be disruptive, but these predictions have not been confirmed by published functional studies and their clinical significance is uncertain. In summary, the available evidence is currently insufficient to determine the role of this variant in disease. Therefore, it has been classified as a Variant of Uncertain Significance.